The following is an entry in ClinVar:

NM_020822.3(KCNT1):c.1967G>A (p.Gly656Asp)

Gene: KCNT1 (potassium sodium-activated channel subfamily T member 1; plus strand). Cytogenetic location: 9q34.3.
Variant type: single nucleotide variant.
Coding change: c.1967G>A on transcript NM_020822.3 (MANE Select); coding-DNA position 1967, G replaced by A.
Protein change: p.Gly656Asp; replaces glycine 656 with aspartic acid.
Molecular consequence: missense variant.
Genome position (GRCh38, 1-based): chr9:135,771,054, G>A. VCF-style: chr9-135771054-G-A. GRCh37 (hg19) VCF-style: chr9-138662900-G-A.
Other names: c.1832G>A, p.Gly611Asp (NM_001272003.2); c.1967G>A (NM_020822.2); short protein forms G656D, G611D.
Identifiers: ClinVar variation 444789 (VCV000444789.13), dbSNP rs775458154, ClinGen allele CA5327121.

ClinVar aggregate classification (germline): Conflicting classifications of pathogenicity. Review status: criteria provided, conflicting classifications (1 of 4 stars). 6 submissions from 5 submitters: Uncertain significance (5); Likely benign (1). Last evaluated 2025-09-08.

Conditions:
Inborn genetic diseases. Identifiers: MedGen C0950123, MeSH D030342.
Autosomal dominant nocturnal frontal lobe epilepsy 5. Also called: KCNT1-Related Epilepsy; Epilepsy, nocturnal frontal lobe, 5; CILIARY DYSKINESIA, PRIMARY, 28, WITHOUT SITUS INVERSUS; CILIARY DYSKINESIA, PRIMARY, 28, WITH SITUS INVERSUS. Identifiers: Orphanet 98784, MedGen C3554306, MONDO:0014002, OMIM 615005.
Developmental and epileptic encephalopathy, 14 (DEE14). Also called: Early infantile epileptic encephalopathy 14. Identifiers: Orphanet 293181, MedGen C3554195, MONDO:0013989, OMIM 614959.

Allele frequency attached by ClinVar (database versions not stated): gnomAD 0.00001; gnomAD exomes 0.00002; ExAC 0.00004; TOPMed 0.00005.

Submissions (6):

Labcorp Genetics (formerly Invitae), Labcorp
Classification: Uncertain significance for Autosomal dominant nocturnal frontal lobe epilepsy 5; Developmental and epileptic encephalopathy, 14. Last evaluated: 2025-09-08. Review status: criteria provided, single submitter. Criteria: Invitae Variant Classification Sherloc (09022015). Collection method: clinical testing. Allele origin: germline.
Comment: This sequence change replaces glycine, which is neutral and non-polar, with aspartic acid, which is acidic and polar, at codon 656 of the KCNT1 protein (p.Gly656Asp). This variant is present in population databases (rs775458154, gnomAD 0.005%). This variant has not been reported in the literature in individuals affected with KCNT1-related conditions. ClinVar contains an entry for this variant (Variation ID: 444789). Invitae Evidence Modeling of protein sequence and biophysical properties (such as structural, functional, and spatial information, amino acid conservation, physicochemical variation, residue mobility, and thermodynamic stability) indicates that this missense variant is not expected to disrupt KCNT1 protein function with a negative predictive value of 80%. In summary, the available evidence is currently insufficient to determine the role of this variant in disease. Therefore, it has been classified as a Variant of Uncertain Significance.

Ambry Genetics
Classification: Likely benign for Inborn genetic diseases. Last evaluated: 2024-06-26. Review status: criteria provided, single submitter. Criteria: Ambry Variant Classification Scheme 2023. Collection method: clinical testing. Allele origin: germline.

Genome-Nilou Lab
Classification: Uncertain significance for Developmental and epileptic encephalopathy, 14. Last evaluated: 2022-03-15. Review status: criteria provided, single submitter. Criteria: ACMG Guidelines, 2015. Collection method: clinical testing. Allele origin: germline. Affected: no.

Genome-Nilou Lab
Classification: Uncertain significance for Autosomal dominant nocturnal frontal lobe epilepsy 5. Last evaluated: 2022-03-15. Review status: criteria provided, single submitter. Criteria: ACMG Guidelines, 2015. Collection method: clinical testing. Allele origin: germline. Affected: no.

Blueprint Genetics
Classification: Uncertain significance. Last evaluated: 2020-11-06. Review status: criteria provided, single submitter. Criteria: ACMG Guidelines, 2015. Collection method: clinical testing. Allele origin: germline.

CeGaT Center for Human Genetics Tuebingen
Classification: Uncertain significance. Last evaluated: 2017-04-30. Review status: criteria provided, single submitter. Criteria: Praxis fuer Humangenetik Tuebingen - Variant Classification Criteria. Collection method: clinical testing. Allele origin: germline. Affected: yes. Observed: 1 variant allele.